The following is an entry in ClinVar:

NM_031935.3(HMCN1):c.880G>A (p.Ala294Thr)

Gene: HMCN1 (hemicentin 1; plus strand). Cytogenetic location: 1q31.1.
Variant type: single nucleotide variant.
Coding change: c.880G>A on transcript NM_031935.3 (MANE Select); coding-DNA position 880, G replaced by A.
Protein change: p.Ala294Thr; replaces alanine 294 with threonine.
Molecular consequence: missense variant.
Genome position (GRCh38, 1-based): chr1:185,911,760, G>A. VCF-style: chr1-185911760-G-A. GRCh37 (hg19) VCF-style: chr1-185880892-G-A.
Other names: short protein forms A294T.
Identifiers: ClinVar variation 294102 (VCV000294102.8), dbSNP rs886045662, ClinGen allele CA10608489.
Genomic context (GRCh38, chr1:185,911,760, plus strand): 5'-CTGCATGAGCTATTAAATATCCATAACTCTGCCAAAGTAGTGAATGTGAAAGAGCCAGAG[G>A]CTGGAATGTGGACAGTGAAGGTACGGTTGTTTCACAAAGTTTGTTTATTGTTTTATTTTG-3'
Protein context (NP_114141.2, residues 284-304): AKVVNVKEPE[Ala294Thr]GMWTVKTSSS

ClinVar aggregate classification (germline): Uncertain significance. Review status: criteria provided, multiple submitters, no conflicts (2 of 4 stars). 3 submissions from 3 submitters: Uncertain significance (3). Last evaluated 2024-03-07.

Conditions:
Age related macular degeneration 1 (ARMD1). Also called: MACULOPATHY, AGE-RELATED, 1. Identifiers: MedGen C1864205, MONDO:0011285, OMIM 603075.

Allele frequency attached by ClinVar (database versions not stated): gnomAD 0.00001; gnomAD exomes 0.00001 and 0.00002; TOPMed 0.00002.
gnomAD v4.1: 10 of 1,611,954 alleles (0.00062%); highest among the groups gnomAD compares: Non-Finnish European, 0.00085%; no homozygotes.

Submissions (3):

Labcorp Genetics (formerly Invitae), Labcorp
Classification: Uncertain significance. Last evaluated: 2024-03-07. Review status: criteria provided, single submitter. Criteria: Invitae Variant Classification Sherloc (09022015). Collection method: clinical testing. Allele origin: germline.
Comment: This sequence change replaces alanine, which is neutral and non-polar, with threonine, which is neutral and polar, at codon 294 of the HMCN1 protein (p.Ala294Thr). This variant is present in population databases (no rsID available, gnomAD 0.002%). This variant has not been reported in the literature in individuals affected with HMCN1-related conditions. ClinVar contains an entry for this variant (Variation ID: 294102). An algorithm developed to predict the effect of missense changes on protein structure and function (PolyPhen-2) suggests that this variant is likely to be disruptive. In summary, the available evidence is currently insufficient to determine the role of this variant in disease. Therefore, it has been classified as a Variant of Uncertain Significance.

Ambry Genetics
Classification: Uncertain significance. Last evaluated: 2023-12-14. Review status: criteria provided, single submitter. Criteria: Ambry Variant Classification Scheme 2023. Collection method: clinical testing. Allele origin: germline.

Illumina Laboratory Services, Illumina
Classification: Uncertain significance for Age related macular degeneration 1. Last evaluated: 2018-01-13. Review status: criteria provided, single submitter. Criteria: ICSL Variant Classification Criteria 13 December 2019. Collection method: clinical testing. Allele origin: germline.